The following is an entry in ClinVar:

ClinVar aggregate classification (germline): Uncertain significance (1 of 4 stars; one submission).

Submission:

GeneDx
Classification: Uncertain significance. Last evaluated: 2025-05-13. Review status: criteria provided, single submitter. Criteria: GeneDx Variant Classification Process June 2021. Collection method: clinical testing. Allele origin: germline. Affected: yes.
Comment: Not observed at significant frequency in large population cohorts (gnomAD); In silico analysis suggests that this variant does not alter protein structure/function; Has not been previously published as pathogenic or benign to our knowledge

NM_018489.3(ASH1L):c.6530_6533inv (p.Gln2177_Glu2178delinsLeuLeu)

Gene: ASH1L (ASH1 like histone lysine methyltransferase; minus strand). Cytogenetic location: 1q22.
Variant type: Inversion.
Coding change: c.6530_6533inv on transcript NM_018489.3 (MANE Select).
Protein change: p.Gln2177_Glu2178delinsLeuLeu.
Molecular consequence: missense variant.
Genome position: GRCh38 VCF-style: chr1-155370783-TCCT-AGGA. GRCh37 (hg19) VCF-style: chr1-155340574-TCCT-AGGA.
Other names: c.6545_6548inv, p.Gln2182_Glu2183delinsLeuLeu (NM_001366177.2).
Identifiers: ClinVar variation 4530012 (VCV004530012.1).
Genomic context (GRCh38, chr1:155,370,783, plus strand): 5'-ATTCTAATCTTATACCTTGGCATTTTATTAGAGTATCATCATTTACCACCGTACCTGAAC[TCCT>AGGA]GTTCACTGACGACCTCCCCTAGGTATTCAATGATGAACTGCCCAGCTTTTAGGGGCTCTT-3'